The following is an entry in ClinVar:

ClinVar aggregate classification (germline): Uncertain significance (1 of 4 stars; one submission).

Allele frequency attached by ClinVar (database versions not stated): gnomAD exomes below 0.00001; TOPMed below 0.00001.
gnomAD v4.1: 1 of 1,614,106 alleles (0.000062%); highest among the groups gnomAD compares: Admixed American, 0.0017%; no homozygotes.

Submission:

Labcorp Genetics (formerly Invitae), Labcorp
Classification: Uncertain significance. Last evaluated: 2022-09-27. Review status: criteria provided, single submitter. Criteria: Invitae Variant Classification Sherloc (09022015). Collection method: clinical testing. Allele origin: germline.
Comment: This sequence change replaces threonine, which is neutral and polar, with serine, which is neutral and polar, at codon 3053 of the VCAN protein (p.Thr3053Ser). This variant is not present in population databases (gnomAD no frequency). This variant has not been reported in the literature in individuals affected with VCAN-related conditions. Algorithms developed to predict the effect of missense changes on protein structure and function output the following: SIFT: "Tolerated"; PolyPhen-2: "Benign"; Align-GVGD: "Class C0". The serine amino acid residue is found in multiple mammalian species, which suggests that this missense change does not adversely affect protein function. In summary, the available evidence is currently insufficient to determine the role of this variant in disease. Therefore, it has been classified as a Variant of Uncertain Significance.

NM_004385.5(VCAN):c.9157A>T (p.Thr3053Ser)

Genes: VCAN (versican; plus strand), VCAN-AS1 (VCAN antisense RNA 1; minus strand). Cytogenetic location: 5q14.3.
Variant type: single nucleotide variant.
Coding change: c.9157A>T on transcript NM_004385.5 (MANE Select); coding-DNA position 9157, A replaced by T.
Protein change: p.Thr3053Ser; replaces threonine 3053 with serine.
Molecular consequence: missense variant. On other transcripts: intron variant (2).
Genome position (GRCh38, 1-based): chr5:83,542,160, A>T. VCF-style: chr5-83542160-A-T. GRCh37 (hg19) VCF-style: chr5-82837979-A-T.
Other names: c.6196A>T, p.Thr2066Ser (NM_001164097.2); c.4004-3377A>T (NM_001164098.2); c.1043-3377A>T (NM_001126336.3); short protein forms T2066S, T3053S.
Identifiers: ClinVar variation 1964826 (VCV001964826.5), dbSNP rs1747032121, ClinGen allele CA360295258.
Genomic context (GRCh38, chr5:83,542,160, plus strand): 5'-GTGGCAGCGAGAATTCTTGATTCCAATGATCAGGCAACAGTAAACCCTGTGGAATTTAAT[A>T]CTGAGGTTGCAACACCACCATTTTCCCTTCTGGAGACTTCTAATGAAACAGATTTCCTGA-3'
Protein context (NP_004376.2, residues 3043-3063): QATVNPVEFN[Thr3053Ser]EVATPPFSLL